The following is an entry in ClinVar:

NM_000088.4(COL1A1):c.299-2A>G

Gene: COL1A1 (collagen type I alpha 1 chain; minus strand). Cytogenetic location: 17q21.33.
Variant type: single nucleotide variant.
Coding change: c.299-2A>G on transcript NM_000088.4 (MANE Select); the canonical splice acceptor site of the intron before coding-DNA position 299, A replaced by G.
Molecular consequence: splice acceptor variant.
Genome position (GRCh38, 1-based): chr17:50,199,592, T>C on the plus strand (A>G on the coding strand, the complement: COL1A1 is on the minus strand). VCF-style: chr17-50199592-T-C. GRCh37 (hg19) VCF-style: chr17-48276953-T-C.
Identifiers: ClinVar variation 1803272 (VCV001803272.1), dbSNP rs2509256363, ClinGen allele CA400227954.

ClinVar aggregate classification (germline): Pathogenic (1 of 4 stars; one submission).

Conditions:
Osteogenesis imperfecta, perinatal lethal (OI2). Also called: OSTEOGENESIS IMPERFECTA, TYPE II; Osteogenesis imperfecta type 2; Osteogenesis imperfecta, dominant perinatal lethal; VROLIK TYPE OF OSTEOGENESIS IMPERFECTA; OI, TYPE II; OSTEOGENESIS IMPERFECTA CONGENITA. Identifiers: Orphanet 216804, MedGen C0268358, MONDO:0008147, OMIM 166210.

Submission:

Genetics and Molecular Pathology, SA Pathology
Classification: Pathogenic for Osteogenesis imperfecta, perinatal lethal. Last evaluated: 2022-06-17. Review status: criteria provided, single submitter. Criteria: ACMG Guidelines, 2015. Collection method: clinical testing. Allele origin: germline. Inheritance: Autosomal dominant inheritance. Affected: yes.
Comment: The COL1A1 c.299-2A>G variant is classified as PATHOGENIC variant (PVS1, PS4) The variant is a single nucleotide change from an adenine to a guanine at position 299-2 in intron 2 of the COL1A1 gene. Computational splice predictions support a deleterious effect on splicing at the nearby acceptor splice site, and a likely disruption of the protein reading frame and non-sense mediated decay of the resulting protein product (PVS1). The variant has been previously reported in individuals with OI (PMID: 25963598. 28725987, 29620724). The variant has not been reported in dbSNP and is absent from population databases (PS4). The variant has not been reported in the ClinVar. The variant has been reported in the HGMD as disease causing (accession: CS157528).

Literature cited by the submitters: PubMed 25963598.